The following is an entry in ClinVar:

ClinVar aggregate classification (germline): Conflicting classifications of pathogenicity. Review status: criteria provided, conflicting classifications (1 of 4 stars). 4 submissions from 4 submitters: Uncertain significance (3); Likely benign (1). Last evaluated 2026-01-28.

Conditions:
Hereditary cancer-predisposing syndrome. Also called: Neoplastic Syndromes, Hereditary; Hereditary neoplastic syndrome; Hereditary Cancer Syndrome; Tumor predisposition. Identifiers: Orphanet 140162, MedGen C0027672, MeSH D009386, MONDO:0015356.
POLD1-related polyposis and colorectal cancer syndrome (CRCS10). Also called: Colorectal cancer, susceptibility to, 10; Colorectal cancer 10; COLORECTAL CANCER, SUSCEPTIBILITY TO, ON CHROMOSOME 19q. Identifiers: Orphanet 220460, MedGen C2675481, MONDO:0012953, OMIM 612591.

Allele frequency attached by ClinVar (database versions not stated): ExAC 0.00008; 1000 Genomes Project 30x 0.00016; 1000 Genomes Project 0.00020; gnomAD 0.00003; TOPMed 0.00003; gnomAD exomes 0.00006 and 0.00007.

Submissions (4):

Labcorp Genetics (formerly Invitae), Labcorp
Classification: Uncertain significance for POLD1-related polyposis and colorectal cancer syndrome. Last evaluated: 2026-01-28. Review status: criteria provided, single submitter. Criteria: Invitae Variant Classification Sherloc (09022015). Collection method: clinical testing. Allele origin: germline.
Comment: This sequence change replaces proline, which is neutral and non-polar, with serine, which is neutral and polar, at codon 110 of the POLD1 protein (p.Pro110Ser). This variant is present in population databases (rs531059492, gnomAD 0.02%). This variant has not been reported in the literature in individuals affected with POLD1-related conditions. ClinVar contains an entry for this variant (Variation ID: 408046). An algorithm developed to predict the effect of missense changes on protein structure and function outputs the following: PolyPhen-2: "Benign". The serine amino acid residue is found in multiple mammalian species, which suggests that this missense change does not adversely affect protein function. In summary, the available evidence is currently insufficient to determine the role of this variant in disease. Therefore, it has been classified as a Variant of Uncertain Significance.

Center for Genomic Medicine, Rigshospitalet, Copenhagen University Hospital
Classification: Uncertain significance. Last evaluated: 2025-03-04. Review status: criteria provided, single submitter. Criteria: ACMG Guidelines, 2015. Collection method: clinical testing. Allele origin: germline.

Ambry Genetics
Classification: Likely benign for Hereditary cancer-predisposing syndrome. Last evaluated: 2024-12-12. Review status: criteria provided, single submitter. Criteria: Ambry Variant Classification Scheme 2023. Collection method: clinical testing. Allele origin: germline.

GeneDx
Classification: Uncertain significance. Last evaluated: 2023-11-12. Review status: criteria provided, single submitter. Criteria: GeneDx Variant Classification Process June 2021. Collection method: clinical testing. Allele origin: germline. Affected: yes.
Comment: In silico analysis supports that this missense variant has a deleterious effect on protein structure/function; Has not been previously published as pathogenic or benign to our knowledge; This variant is associated with the following publications: (PMID: 26438511)

NM_002691.4(POLD1):c.328C>T (p.Pro110Ser)

Gene: POLD1 (DNA polymerase delta 1, catalytic subunit; plus strand). Cytogenetic location: 19q13.33.
Variant type: single nucleotide variant.
Coding change: c.328C>T on transcript NM_002691.4 (MANE Select); coding-DNA position 328, C replaced by T.
Protein change: p.Pro110Ser; replaces proline 110 with serine.
Molecular consequence: missense variant. On other transcripts: non-coding transcript variant (1).
Genome position (GRCh38, 1-based): chr19:50,401,789, C>T. VCF-style: chr19-50401789-C-T. GRCh37 (hg19) VCF-style: chr19-50905046-C-T.
Other names: c.328C>T, p.Pro110Ser (NM_001256849.1, NM_001308632.1); c.328C>T (NM_002691.2); short protein forms P110S.
Identifiers: ClinVar variation 408046 (VCV000408046.33), dbSNP rs531059492, ClinGen allele CA9595703.